The following is an entry in ClinVar:

NM_006885.4(ZFHX3):c.9891G>A (p.Ser3297=)

Genes: ZFHX3-AS1 (ZFHX3 antisense RNA 1; plus strand), ZFHX3 (zinc finger homeobox 3; minus strand). Cytogenetic location: 16q22.2.
Variant type: single nucleotide variant.
Coding change: c.9891G>A on transcript NM_006885.4 (MANE Select); coding-DNA position 9891, G replaced by A.
Protein change: p.Ser3297=; no amino-acid change (serine 3297 retained).
Molecular consequence: synonymous variant.
Genome position (GRCh38, 1-based): chr16:72,788,385, C>T on the plus strand (G>A on the coding strand, the complement: ZFHX3 is on the minus strand). VCF-style: chr16-72788385-C-T. GRCh37 (hg19) VCF-style: chr16-72822284-C-T.
Other names: c.7149G>A, p.Ser2383= (NM_001164766.2); c.9891G>A, p.Ser3297= (NM_001386735.1); c.9891G>A (NM_006885.3).
Identifiers: ClinVar variation 4931168 (VCV004931168.2).

ClinVar aggregate classification (germline): Likely benign. Review status: criteria provided, multiple submitters, no conflicts (2 of 4 stars). 2 submissions from 2 submitters: Likely benign (2). Last evaluated 2025-10-10.

Conditions:
ZFHX3-related disorder. Also called: ZFHX3-related condition.

Submissions (2):

PreventionGenetics, part of Exact Sciences
Classification: Likely benign for ZFHX3-related condition. Last evaluated: 2025-10-10. Review status: criteria provided, single submitter. Criteria: ACMG Guidelines, 2015. Collection method: clinical testing. Allele origin: germline.
Comment: This variant is classified as likely benign based on ACMG/AMP sequence variant interpretation guidelines (Richards et al. 2015 PMID: 25741868, with internal and published modifications).

Blueprint Genetics
Classification: Likely benign. Last evaluated: 2024-01-04. Review status: criteria provided, single submitter. Criteria: ACMG Guidelines, 2015. Collection method: clinical testing. Allele origin: germline.